The following is an entry in ClinVar:

ClinVar aggregate classification (germline): Uncertain significance (1 of 4 stars; one submission).

Conditions:
Aortic aneurysm, familial thoracic 6 (AAT6). Also called: FAMILIAL THORACIC AORTIC ANEURYSM WITH LIVEDO RETICULARIS AND IRIS FLOCCULI. Identifiers: MedGen C2673186, MONDO:0012730, OMIM 611788.

gnomAD v4.1: 2 of 1,614,014 alleles (0.00012%); highest among the groups gnomAD compares: Non-Finnish European, 0.00017%; no homozygotes.

Submission:

Labcorp Genetics (formerly Invitae), Labcorp
Classification: Uncertain significance for Aortic aneurysm, familial thoracic 6. Last evaluated: 2024-03-31. Review status: criteria provided, single submitter. Criteria: Invitae Variant Classification Sherloc (09022015). Collection method: clinical testing. Allele origin: germline.
Comment: This sequence change replaces isoleucine, which is neutral and non-polar, with threonine, which is neutral and polar, at codon 276 of the ACTA2 protein (p.Ile276Thr). This variant is present in population databases (rs770709635, gnomAD 0.0009%). This variant has not been reported in the literature in individuals affected with ACTA2-related conditions. Advanced modeling of protein sequence and biophysical properties (such as structural, functional, and spatial information, amino acid conservation, physicochemical variation, residue mobility, and thermodynamic stability) has been performed at Invitae for this missense variant, however the output from this modeling did not meet the statistical confidence thresholds required to predict the impact of this variant on ACTA2 protein function. In summary, the available evidence is currently insufficient to determine the role of this variant in disease. Therefore, it has been classified as a Variant of Uncertain Significance.

NM_001613.4(ACTA2):c.827T>C (p.Ile276Thr)

Genes: ACTA2 (actin alpha 2, smooth muscle; minus strand), ACTA2-AS1 (ACTA2 antisense RNA 1; plus strand). Cytogenetic location: 10q23.31.
Variant type: single nucleotide variant.
Coding change: c.827T>C on transcript NM_001613.4 (MANE Select); coding-DNA position 827, T replaced by C.
Protein change: p.Ile276Thr; replaces isoleucine 276 with threonine.
Molecular consequence: missense variant. On other transcripts: non-coding transcript variant (1).
Genome position (GRCh38, 1-based): chr10:88,938,224, A>G on the plus strand (T>C on the coding strand, the complement: ACTA2 is on the minus strand). VCF-style: chr10-88938224-A-G. GRCh37 (hg19) VCF-style: chr10-90697981-A-G.
Other names: c.716T>C, p.Ile239Thr (NM_001406466.1); c.698T>C, p.Ile233Thr (NM_001406467.1, NM_001406468.1, NM_001406469.1); c.635T>C, p.Ile212Thr (NM_001406471.1); c.827T>C, p.Ile276Thr (NM_001141945.3, NM_001320855.2, NM_001406462.1 and 2 more transcripts); short protein forms I212T, I233T, I239T, I276T.
Identifiers: ClinVar variation 3658884 (VCV003658884.2).
Genomic context (GRCh38, chr10:88,938,224, plus strand): 5'-TAGAGGTCCTTCCTGATGTCAATATCACACTTCATGATGCTGTTGTAGGTGGTTTCATGG[A>G]TGCCAGCAGACTCCATCCCTGGAAAAGAGACACAGGCCATGGTCCTTAAGTGGAGAGTAA-3'
Protein context (NP_001604.1, residues 266-286): PSFIGMESAG[Ile276Thr]HETTYNSIMK